The following is an entry in ClinVar:

ClinVar aggregate classification (germline): Uncertain significance (1 of 4 stars; one submission).

Allele frequency attached by ClinVar (database versions not stated): TOPMed 0.00002; ExAC 0.00001; gnomAD 0.00001; gnomAD exomes 0.00001.
gnomAD v4.1: 13 of 1,613,712 alleles (0.00081%); highest among the groups gnomAD compares: East Asian, 0.0022%; no homozygotes.

Submission:

Labcorp Genetics (formerly Invitae), Labcorp
Classification: Uncertain significance. Last evaluated: 2024-12-16. Review status: criteria provided, single submitter. Criteria: Invitae Variant Classification Sherloc (09022015). Collection method: clinical testing. Allele origin: germline.
Comment: This sequence change replaces proline, which is neutral and non-polar, with leucine, which is neutral and non-polar, at codon 196 of the NDUFA9 protein (p.Pro196Leu). This variant is present in population databases (rs778745677, gnomAD 0.0009%). This variant has not been reported in the literature in individuals affected with NDUFA9-related conditions. ClinVar contains an entry for this variant (Variation ID: 1924595). An algorithm developed to predict the effect of missense changes on protein structure and function (PolyPhen-2) suggests that this variant is likely to be disruptive. In summary, the available evidence is currently insufficient to determine the role of this variant in disease. Therefore, it has been classified as a Variant of Uncertain Significance.

NM_005002.5(NDUFA9):c.587C>T (p.Pro196Leu)

Gene: NDUFA9 (NADH:ubiquinone oxidoreductase subunit A9; plus strand). Cytogenetic location: 12p13.32.
Variant type: single nucleotide variant.
Coding change: c.587C>T on transcript NM_005002.5 (MANE Select); coding-DNA position 587, C replaced by T.
Protein change: p.Pro196Leu; replaces proline 196 with leucine.
Molecular consequence: missense variant.
Genome position (GRCh38, 1-based): chr12:4,662,567, C>T. VCF-style: chr12-4662567-C-T. GRCh37 (hg19) VCF-style: chr12-4771733-C-T.
Other names: short protein forms P196L.
Identifiers: ClinVar variation 1924595 (VCV001924595.5), dbSNP rs778745677, ClinGen allele CA6398144.